The following is an entry in ClinVar:

ClinVar aggregate classification (germline): Benign/Likely benign. Review status: criteria provided, multiple submitters, no conflicts (2 of 4 stars). 5 submissions from 5 submitters: Benign (1); Likely benign (1). 3 of the submissions do not count toward it. Last evaluated 2026-01-21.

Conditions:
MTHFD1-related disorder. Also called: MTHFD1-related condition.

Allele frequency attached by ClinVar (database versions not stated): gnomAD 0.00005 and 0.00015; ESP Exome Variant Server 0.00008; TOPMed 0.00008; 1000 Genomes Project 0.00020; 1000 Genomes Project 30x 0.00031; ExAC 0.00033.
gnomAD v4.1: 318 of 1,614,004 alleles (0.02%); highest among the groups gnomAD compares: South Asian, 0.24%; 5 homozygotes.

Submissions (5):

Labcorp Genetics (formerly Invitae), Labcorp
Classification: Benign. Last evaluated: 2026-01-21. Review status: criteria provided, single submitter. Criteria: Invitae Variant Classification Sherloc (09022015). Collection method: clinical testing. Allele origin: germline.

Blueprint Genetics
Classification: Likely benign. Last evaluated: 2024-10-04. Review status: criteria provided, single submitter. Criteria: ACMG Guidelines, 2015. Collection method: clinical testing. Allele origin: germline.

PreventionGenetics, part of Exact Sciences
Classification: Likely benign for MTHFD1-related condition. Last evaluated: 2019-02-28. Review status: no assertion criteria provided. Collection method: clinical testing. Allele origin: germline. Not counted in ClinVar's aggregate classification.
Comment: This variant is classified as likely benign based on ACMG/AMP sequence variant interpretation guidelines (Richards et al. 2015 PMID: 25741868, with internal and published modifications).

Clinical Genetics DNA and cytogenetics Diagnostics Lab, Erasmus MC, Erasmus Medical Center
Classification: Likely benign. Review status: no assertion criteria provided. Collection method: clinical testing. Allele origin: germline. Affected: yes. Study: VKGL Data-share Consensus. Not counted in ClinVar's aggregate classification.

Genome Diagnostics Laboratory, University Medical Center Utrecht
Classification: Likely benign. Review status: no assertion criteria provided. Collection method: clinical testing. Allele origin: germline. Affected: yes. Study: VKGL Data-share Consensus. Not counted in ClinVar's aggregate classification.

NM_005956.4(MTHFD1):c.1128-10C>T

Gene: MTHFD1 (methylenetetrahydrofolate dehydrogenase, cyclohydrolase and formyltetrahydrofolate synthetase 1; plus strand). Cytogenetic location: 14q23.3.
Variant type: single nucleotide variant.
Coding change: c.1128-10C>T on transcript NM_005956.4 (MANE Select); 10 bases into the intron before coding-DNA position 1128, C replaced by T.
Molecular consequence: intron variant.
Genome position (GRCh38, 1-based): chr14:64,427,327, C>T. VCF-style: chr14-64427327-C-T. GRCh37 (hg19) VCF-style: chr14-64894045-C-T.
Other names: c.1128-10C>T (NM_005956.3, NM_001364837.1).
Identifiers: ClinVar variation 1285015 (VCV001285015.13), dbSNP rs377181293, ClinGen allele CA7226146.